The following is an entry in ClinVar:

ClinVar aggregate classification (germline): Conflicting classifications of pathogenicity. Review status: criteria provided, conflicting classifications (1 of 4 stars). 3 submissions from 3 submitters: Uncertain significance (2); Likely benign (1). Last evaluated 2024-11-12.

Conditions:
Epidermolysis bullosa simplex with nail dystrophy (EBS5D). Identifiers: MedGen C4225309, MONDO:0014661, OMIM 616487.
Epidermolysis bullosa simplex, Ogna type (EBS5A). Also called: Pidermolysis bullosa simplex 5A, Ogna type; EPIDERMOLYSIS BULLOSA SIMPLEX 5A, OGNA TYPE. Identifiers: Orphanet 79401, MedGen C0432317, MONDO:0007555, OMIM 131950.
Epidermolysis bullosa simplex 5B, with muscular dystrophy (EBS5B). Also called: Epidermolysis bullosa simplex with muscular dystrophy; EPIDERMOLYSIS BULLOSA SIMPLEX AND LIMB-GIRDLE MUSCULAR DYSTROPHY. Identifiers: Orphanet 257, MedGen C2931072, MONDO:0009181, OMIM 226670.
Autosomal recessive limb-girdle muscular dystrophy type 2Q (LGMDR17). Also called: MUSCULAR DYSTROPHY, LIMB-GIRDLE, AUTOSOMAL RECESSIVE 17. Identifiers: Orphanet 254361, MedGen C3150989, MONDO:0013390, OMIM 613723.
Epidermolysis bullosa simplex 5C, with pyloric atresia (EBS5C). Also called: PLEC-Related Epidermolysis Bullosa with Pyloric Atresia; Epidermolysis bullosa simplex with pyloric atresia; PLEC1-Related Epidermolysis Bullosa with Pyloric Atresia. Identifiers: Orphanet 158684, MedGen C2677349, MONDO:0012807, OMIM 612138.
Inborn genetic diseases. Identifiers: MedGen C0950123, MeSH D030342.

gnomAD v4.1: 6 of 1,578,416 alleles (0.00038%); highest among the groups gnomAD compares: African/African-American, 0.0081%; no homozygotes.

Submissions (3):

GeneDx
Classification: Likely benign. Last evaluated: 2024-11-12. Review status: criteria provided, single submitter. Criteria: GeneDx Variant Classification Process June 2021. Collection method: clinical testing. Allele origin: germline. Affected: yes.
Comment: See Variant Classification Assertion Criteria.

Labcorp Genetics (formerly Invitae), Labcorp
Classification: Uncertain significance for Autosomal recessive limb-girdle muscular dystrophy type 2Q; Epidermolysis bullosa simplex, Ogna type; Epidermolysis bullosa simplex with nail dystrophy; Epidermolysis bullosa simplex 5C, with pyloric atresia; Epidermolysis bullosa simplex 5B, with muscular dystrophy. Last evaluated: 2024-11-06. Review status: criteria provided, single submitter. Criteria: Invitae Variant Classification Sherloc (09022015). Collection method: clinical testing. Allele origin: germline.
Comment: This sequence change replaces lysine, which is basic and polar, with threonine, which is neutral and polar, at codon 2072 of the PLEC protein (p.Lys2072Thr). This variant is present in population databases (rs782227177, gnomAD 0.02%). This variant has not been reported in the literature in individuals affected with PLEC-related conditions. An algorithm developed to predict the effect of missense changes on protein structure and function (PolyPhen-2) suggests that this variant is likely to be tolerated. In summary, the available evidence is currently insufficient to determine the role of this variant in disease. Therefore, it has been classified as a Variant of Uncertain Significance.

Ambry Genetics
Classification: Uncertain significance for Inborn genetic diseases. Last evaluated: 2024-10-24. Review status: criteria provided, single submitter. Criteria: Ambry Variant Classification Scheme 2023. Collection method: clinical testing. Allele origin: germline.

NM_201384.3(PLEC):c.6134A>C (p.Lys2045Thr)

Gene: PLEC (plectin; minus strand). Cytogenetic location: 8q24.3.
Variant type: single nucleotide variant.
Coding change: c.6134A>C on transcript NM_201384.3 (MANE Select); coding-DNA position 6134, A replaced by C.
Protein change: p.Lys2045Thr; replaces lysine 2045 with threonine.
Molecular consequence: missense variant. On other transcripts: intron variant (1).
Genome position (GRCh38, 1-based): chr8:143,923,795, T>G on the plus strand (A>C on the coding strand, the complement: PLEC is on the minus strand). VCF-style: chr8-143923795-T-G. GRCh37 (hg19) VCF-style: chr8-144997963-T-G.
Other names: c.6215A>C, p.Lys2072Thr (NM_000445.5); c.6092A>C, p.Lys2031Thr (NM_201378.4); c.6068A>C, p.Lys2023Thr (NM_201379.3); c.6545A>C, p.Lys2182Thr (NM_201380.4); c.6038A>C, p.Lys2013Thr (NM_201381.3); c.6134A>C, p.Lys2045Thr (NM_201382.4); c.6146A>C, p.Lys2049Thr (NM_201383.3); c.4126-1400A>C (NM_001410941.1); short protein forms K2045T, K2013T, K2031T, K2072T, K2182T, K2023T, K2049T.
Identifiers: ClinVar variation 3420274 (VCV003420274.4).
Genomic context (GRCh38, chr8:143,923,795, plus strand): 5'-AGCTCCTGCTCCTTCTGCTGCACCGCGAAGGCGTGTGCCTTCTCTTCCGCCTGCAGCCGC[T>G]TCTGGGCGGCCTCCTGGGCCAGCTGCAGCTGCCGCGCCGACTCCTGCTCCGCTCGCTCCC-3'
Protein context (NP_958786.1, residues 2035-2055): QLQLAQEAAQ[Lys2045Thr]RLQAEEKAHA